The following is an entry in ClinVar:

NM_025137.4(SPG11):c.5592_5593del (p.Glu1864fs)

Gene: SPG11 (SPG11 vesicle trafficking associated, spatacsin; minus strand). Cytogenetic location: 15q21.1.
Variant type: Microsatellite.
Coding change: c.5592_5593del on transcript NM_025137.4 (MANE Select); coding-DNA positions 5592 to 5593, 2 bases deleted (GA; older notation c.5592_5593delGA).
Protein change: p.Glu1864fs; shifts the reading frame from glutamic acid 1864.
Molecular consequence: frameshift variant.
Genome position (GRCh38, 1-based): chr15:44,584,087-44,584,088, TC deleted on the plus strand (GA on the coding strand, the reverse complement: SPG11 is on the minus strand); deleting any 2 consecutive bases within chr15:44,584,087-44,584,091 gives the same sequence; the c. name uses the placement nearest the transcript's 3' end. VCF-style (leftmost placement, unchanged base first): chr15-44584086-GTC-G. GRCh37 (hg19) VCF-style: chr15-44876284-GTC-G.
Other names: c.5592_5593del, p.Glu1864fs (NM_001160227.2); c.5448_5449del, p.Glu1816fs (NM_001411132.1); short protein forms E1816fs, E1864fs.
Identifiers: ClinVar variation 2699988 (VCV002699988.3), dbSNP rs2505290776, ClinGen allele CA2539078414.

ClinVar aggregate classification (germline): Pathogenic (1 of 4 stars; one submission).

Conditions:
Hereditary spastic paraplegia 11. Also called: SPASTIC PARAPLEGIA, AUTOSOMAL RECESSIVE, COMPLICATED, WITH THIN CORPUS CALLOSUM; SPASTIC PARAPLEGIA, AUTOSOMAL RECESSIVE, WITH MENTAL IMPAIRMENT AND THIN CORPUS CALLOSUM; Spastic Paraplegia 11; Spastic paraplegia, mental retardation and thin corpus callosum; Nakamura Osame syndrome; Autosomal recessive hereditary spastic paraplegia, mental impairment, and thin corpus callosum. Identifiers: Orphanet 2822, MedGen C1858479, MONDO:0011445, OMIM 604360.

Submission:

Labcorp Genetics (formerly Invitae), Labcorp
Classification: Pathogenic for Hereditary spastic paraplegia 11. Last evaluated: 2023-12-14. Review status: criteria provided, single submitter. Criteria: Invitae Variant Classification Sherloc (09022015). Collection method: clinical testing. Allele origin: germline.
Comment: This sequence change creates a premature translational stop signal (p.Glu1864Aspfs*5) in the SPG11 gene. It is expected to result in an absent or disrupted protein product. Loss-of-function variants in SPG11 are known to be pathogenic (PMID: 19105190, 20110243, 22154821, 26556829). This variant is not present in population databases (gnomAD no frequency). This variant has not been reported in the literature in individuals affected with SPG11-related conditions. For these reasons, this variant has been classified as Pathogenic.

Literature cited by the submitters: PubMed 19105190; PubMed 20110243; PubMed 22154821; PubMed 26556829.